The following is an entry in ClinVar:

NM_001378454.1(ALMS1):c.6393A>T (p.Lys2131Asn)

Gene: ALMS1 (ALMS1 centrosome and basal body associated protein; plus strand). Cytogenetic location: 2p13.1.
Variant type: single nucleotide variant.
Coding change: c.6393A>T on transcript NM_001378454.1 (MANE Select); coding-DNA position 6393, A replaced by T.
Protein change: p.Lys2131Asn; replaces lysine 2131 with asparagine.
Molecular consequence: missense variant.
Genome position (GRCh38, 1-based): chr2:73,452,920, A>T. VCF-style: chr2-73452920-A-T. GRCh37 (hg19) VCF-style: chr2-73680047-A-T.
Other names: c.6396A>T, p.Lys2132Asn (NM_015120.4); short protein forms K2131N, K2132N.
Identifiers: ClinVar variation 3355977 (VCV003355977.1).

ClinVar aggregate classification (germline): Likely benign (0 of 4 stars; one submission).

Conditions:
ALMS1-related disorder. Also called: ALMS1-related condition.

Submission:

PreventionGenetics, part of Exact Sciences
Classification: Likely benign for ALMS1-related condition. Last evaluated: 2023-01-30. Review status: no assertion criteria provided. Collection method: clinical testing. Allele origin: germline.
Comment: This variant is classified as likely benign based on ACMG/AMP sequence variant interpretation guidelines (Richards et al. 2015 PMID: 25741868, with internal and published modifications).